The following is an entry in ClinVar:

ClinVar aggregate classification (germline): Uncertain significance (1 of 4 stars; one submission).

Conditions:
Charcot-Marie-Tooth disease type 2. Also called: Charcot-Marie-Tooth type 2. Identifiers: Orphanet 64746, MedGen C0270914, MONDO:0018993.

Submission:

Labcorp Genetics (formerly Invitae), Labcorp
Classification: Uncertain significance for Charcot-Marie-Tooth disease type 2. Last evaluated: 2021-07-19. Review status: criteria provided, single submitter. Criteria: Invitae Variant Classification Sherloc (09022015). Collection method: clinical testing. Allele origin: germline.
Comment: In summary, the available evidence is currently insufficient to determine the role of this variant in disease. Therefore, it has been classified as a Variant of Uncertain Significance. Algorithms developed to predict the effect of missense changes on protein structure and function are either unavailable or do not agree on the potential impact of this missense change (SIFT: "Deleterious"; PolyPhen-2: "Probably Damaging"; Align-GVGD: "Class C0"). This variant has not been reported in the literature in individuals with KIF1B-related disease. This sequence change replaces tryptophan with arginine at codon 923 of the KIF1B protein (p.Trp923Arg). The tryptophan residue is highly conserved and there is a moderate physicochemical difference between tryptophan and arginine. This variant is not present in population databases (ExAC no frequency).

NM_001365951.3(KIF1B):c.2905T>C (p.Trp969Arg)

Genes: KIF1B (kinesin family member 1B; plus strand), LOC126805614 (BRD4-independent group 4 enhancer GRCh37_chr1:10385546-10386745; plus strand). Cytogenetic location: 1p36.22.
Variant type: single nucleotide variant.
Coding change: c.2905T>C on transcript NM_001365951.3 (MANE Select); coding-DNA position 2905, T replaced by C.
Protein change: p.Trp969Arg; replaces tryptophan 969 with arginine.
Molecular consequence: missense variant.
Genome position (GRCh38, 1-based): chr1:10,326,340, T>C. VCF-style: chr1-10326340-T-C. GRCh37 (hg19) VCF-style: chr1-10386398-T-C.
Other names: c.2905T>C, p.Trp969Arg (NM_001365952.1); c.2767T>C, p.Trp923Arg (NM_015074.3); short protein forms W923R, W969R.
Identifiers: ClinVar variation 664568 (VCV000664568.9), dbSNP rs1569831309, ClinGen allele CA338337526.